The following is an entry in ClinVar:

ClinVar aggregate classification (germline): Likely pathogenic (1 of 4 stars; one submission).

Conditions:
Pyruvate carboxylase deficiency. Also called: ATAXIA WITH LACTIC ACIDOSIS II; LEIGH NECROTIZING ENCEPHALOPATHY DUE TO PYRUVATE CARBOXYLASE DEFICIENCY; LEIGH SYNDROME DUE TO PYRUVATE CARBOXYLASE DEFICIENCY; PC DEFICIENCY; Pyruvate Carboxylase Deficiency Disease. Identifiers: Orphanet 3008, MedGen C0034341, MONDO:0009949, OMIM 266150.

Submission:

Myriad Genetics, Inc.
Classification: Likely pathogenic for Pyruvate carboxylase deficiency. Last evaluated: 2022-03-06. Review status: criteria provided, single submitter. Criteria: Myriad Women's Health Autosomal Recessive and X-Linked Classification Criteria (2021). Collection method: clinical testing. Allele origin: unknown.
Comment: NM_000920.3(PC):c.731_732ins14(H244Qfs*58) is expected to be pathogenic in the context of pyruvate carboxylase deficiency. This variant is predicted to lead to an abnormal or absent protein product due to the creation of a premature termination codon in PC, a gene where loss-of-function variants are known to be pathogenic. Please note: this variant was assessed in the context of healthy population screening.

NM_001040716.2(PC):c.731_732insGGCTTGGGATGGAG (p.His244fs)

Gene: PC (pyruvate carboxylase; minus strand). Cytogenetic location: 11q13.2.
Variant type: Insertion.
Coding change: c.731_732insGGCTTGGGATGGAG on transcript NM_001040716.2 (MANE Select); coding-DNA positions 731 to 732, GGCTTGGGATGGAG inserted.
Protein change: p.His244fs; shifts the reading frame from histidine 244.
Molecular consequence: frameshift variant.
Genome position: GRCh38 VCF-style: chr11-66870794-G-GCTCCATCCCAAGCC. GRCh37 (hg19) VCF-style: chr11-66638265-G-GCTCCATCCCAAGCC.
Other names: c.731_732insGGCTTGGGATGGAG, p.His244fs (NM_000920.4, NM_022172.3); short protein forms H244fs.
Identifiers: ClinVar variation 1725076 (VCV001725076.2), dbSNP rs2495773871, ClinGen allele CA2580084581.